The following is an entry in ClinVar:

NM_001384125.1(BLTP1):c.6645A>G (p.Leu2215=)

Gene: BLTP1 (bridge-like lipid transfer protein family member 1; plus strand). Cytogenetic location: 4q27.
Variant type: single nucleotide variant.
Coding change: c.6645A>G on transcript NM_001384125.1 (MANE Select); coding-DNA position 6645, A replaced by G.
Protein change: p.Leu2215=; no amino-acid change (leucine 2215 retained).
Molecular consequence: synonymous variant.
Genome position (GRCh38, 1-based): chr4:122,258,726, A>G. VCF-style: chr4-122258726-A-G. GRCh37 (hg19) VCF-style: chr4-123179881-A-G.
Other names: c.6645A>G, p.Leu2215= (NM_015312.4).
Identifiers: ClinVar variation 4989765 (VCV004989765.1).
Genomic context (GRCh38, chr4:122,258,726, plus strand): 5'-ATCTATTGCTCACTTATTCTTTTGAACTGTTTCAGCCACAGTCAGTGAACACACAATGCT[A>G]TTAGAAGGAACAGCTAACCGGCCTCCACCTGGTAGCTCTGGACCTGTAACTGGAGCTGAG-3'
Protein context (NP_001371054.1, residues 2205-2225): DAATVSEHTM[Leu2215=]LEGTANRPPP

ClinVar aggregate classification (germline): Likely benign (1 of 4 stars; one submission).

Conditions:
BLTP1-related disorder. Also called: BLTP1-related condition.

gnomAD v4.1: 83 of 1,613,816 alleles (0.0051%); highest among the groups gnomAD compares: Non-Finnish European, 0.0068%; no homozygotes.

Submission:

PreventionGenetics, part of Exact Sciences
Classification: Likely benign for BLTP1-related condition. Last evaluated: 2025-05-27. Review status: criteria provided, single submitter. Criteria: ACMG Guidelines, 2015. Collection method: clinical testing. Allele origin: germline.
Comment: This variant is classified as likely benign based on ACMG/AMP sequence variant interpretation guidelines (Richards et al. 2015 PMID: 25741868, with internal and published modifications).